The following is an entry in ClinVar:

ClinVar aggregate classification (germline): Uncertain significance (1 of 4 stars; one submission).

Conditions:
Medium-chain acyl-coenzyme A dehydrogenase deficiency (ACADMD). Also called: ACADM DEFICIENCY; MCADH DEFICIENCY; CARNITINE DEFICIENCY SECONDARY TO MEDIUM-CHAIN ACYL-CoA DEHYDROGENASE DEFICIENCY; Medium chain acyl-CoA dehydrogenase deficiency; MCAD Deficiency; MCADD. Identifiers: Orphanet 42, MedGen C0220710, MONDO:0008721, OMIM 201450.

Submission:

Labcorp Genetics (formerly Invitae), Labcorp
Classification: Uncertain significance for Medium-chain acyl-coenzyme A dehydrogenase deficiency. Last evaluated: 2025-10-14. Review status: criteria provided, single submitter. Criteria: Invitae Variant Classification Sherloc (09022015). Collection method: clinical testing. Allele origin: germline.
Comment: This sequence change replaces phenylalanine, which is neutral and non-polar, with cysteine, which is neutral and slightly polar, at codon 39 of the ACADM protein (p.Phe39Cys). This variant is not present in population databases (gnomAD no frequency). This variant has not been reported in the literature in individuals affected with ACADM-related conditions. An algorithm developed to predict the effect of missense changes on protein structure and function (PolyPhen-2) suggests that this variant is likely to be disruptive. In summary, the available evidence is currently insufficient to determine the role of this variant in disease. Therefore, it has been classified as a Variant of Uncertain Significance.

NM_000016.6(ACADM):c.116T>G (p.Phe39Cys)

Gene: ACADM (acyl-CoA dehydrogenase medium chain; plus strand). Cytogenetic location: 1p31.1.
Variant type: single nucleotide variant.
Coding change: c.116T>G on transcript NM_000016.6 (MANE Select); coding-DNA position 116, T replaced by G.
Protein change: p.Phe39Cys; replaces phenylalanine 39 with cysteine.
Molecular consequence: missense variant. On other transcripts: intron variant (2).
Genome position (GRCh38, 1-based): chr1:75,728,486, T>G. VCF-style: chr1-75728486-T-G. GRCh37 (hg19) VCF-style: chr1-76194171-T-G.
Other names: c.128T>G, p.Phe43Cys (NM_001127328.3); c.116T>G, p.Phe39Cys (NM_001286043.2); c.10+3669T>G (NM_001286042.2); c.-268+3669T>G (NM_001286044.2); short protein forms F39C, F43C.
Identifiers: ClinVar variation 4711083 (VCV004711083.1).
Genomic context (GRCh38, chr1:75,728,486, plus strand): 5'-ATTGGAGATCACAGCATACAAAAGCCAATCGACAACGTGAACCAGGATTAGGATTTAGTT[T>G]TGGTATATGTTCGGTTCTATCTTTTGACTTTAAACTTATACATATGAAGCTTTATATGTT-3'
Protein context (NP_000007.1, residues 29-49): RQREPGLGFS[Phe39Cys]EFTEQQKEFQ